The following is an entry in ClinVar:

NM_000993.5(RPL31):c.160A>G (p.Met54Val)

Gene: RPL31 (ribosomal protein L31; plus strand). Cytogenetic location: 2q11.2.
Variant type: single nucleotide variant.
Coding change: c.160A>G on transcript NM_000993.5 (MANE Select); coding-DNA position 160, A replaced by G.
Protein change: p.Met54Val; replaces methionine 54 with valine.
Molecular consequence: missense variant.
Genome position (GRCh38, 1-based): chr2:101,004,210, A>G. VCF-style: chr2-101004210-A-G. GRCh37 (hg19) VCF-style: chr2-101620672-A-G.
Other names: c.160A>G, p.Met54Val (NM_001098577.3, NM_001099693.2); short protein forms M54V.
Identifiers: ClinVar variation 4768466 (VCV004768466.1).
Genomic context (GRCh38, chr2:101,004,210, plus strand): 5'-AATCGTAGGGGCTTCAAGAAGCGTGCACCTCGGGCACTCAAAGAGATTCGGAAATTTGCC[A>G]TGAAGGAGATGGGAACTCCAGATGTGCGCATTGACACCAGGCTCAACAAAGCTGTCTGGG-3'
Protein context (NP_000984.1, residues 44-64): RALKEIRKFA[Met54Val]KEMGTPDVRI

ClinVar aggregate classification (germline): Uncertain significance (1 of 4 stars; one submission).

gnomAD v4.1: 5 of 1,614,122 alleles (0.00031%); highest among the groups gnomAD compares: African/African-American, 0.0013%; no homozygotes.

Submission:

Labcorp Genetics (formerly Invitae), Labcorp
Classification: Uncertain significance. Last evaluated: 2025-11-17. Review status: criteria provided, single submitter. Criteria: Invitae Variant Classification Sherloc (09022015). Collection method: clinical testing. Allele origin: germline.
Comment: This sequence change replaces methionine, which is neutral and non-polar, with valine, which is neutral and non-polar, at codon 54 of the RPL31 protein (p.Met54Val). This variant is present in population databases (rs750370121, gnomAD 0.003%). This variant has not been reported in the literature in individuals affected with RPL31-related conditions. An algorithm developed to predict the effect of missense changes on protein structure and function (PolyPhen-2) suggests that this variant is likely to be tolerated. In summary, the available evidence is currently insufficient to determine the role of this variant in disease. Therefore, it has been classified as a Variant of Uncertain Significance.